The following is an entry in ClinVar:

NM_004360.5(CDH1):c.138G>A (p.Leu46=)

Gene: CDH1 (cadherin 1; plus strand). Cytogenetic location: 16q22.1.
Variant type: single nucleotide variant.
Coding change: c.138G>A on transcript NM_004360.5 (MANE Select); coding-DNA position 138, G replaced by A.
Protein change: p.Leu46=; no amino-acid change (leucine 46 retained).
Molecular consequence: synonymous variant. On other transcripts: 5 prime UTR variant (2).
Genome position (GRCh38, 1-based): chr16:68,738,386, G>A. VCF-style: chr16-68738386-G-A. GRCh37 (hg19) VCF-style: chr16-68772289-G-A.
Other names: c.138G>A, p.Leu46= (NM_001317184.2); c.-1478G>A (NM_001317185.2); c.-1682G>A (NM_001317186.2).
Identifiers: ClinVar variation 628376 (VCV000628376.14), dbSNP rs1567471510, ClinGen allele CA496149633.

ClinVar aggregate classification (germline): Benign/Likely benign. Review status: criteria provided, multiple submitters, no conflicts (2 of 4 stars). 4 submissions from 4 submitters: Benign (1); Likely benign (3). Last evaluated 2025-03-18.

Conditions:
Hereditary cancer-predisposing syndrome. Also called: Tumor predisposition; Neoplastic Syndromes, Hereditary; Hereditary Cancer Syndrome; Hereditary neoplastic syndrome. Identifiers: Orphanet 140162, MedGen C0027672, MeSH D009386, MONDO:0015356.
Hereditary diffuse gastric adenocarcinoma (HDGC). Also called: DIFFUSE GASTRIC AND LOBULAR BREAST CANCER SYNDROME. Identifiers: Orphanet 26106, MedGen C1708349, MONDO:0007648, OMIM 137215.

Submissions (4):

Labcorp Genetics (formerly Invitae), Labcorp
Classification: Likely benign for Hereditary diffuse gastric adenocarcinoma. Last evaluated: 2025-03-18. Review status: criteria provided, single submitter. Criteria: Invitae Variant Classification Sherloc (09022015). Collection method: clinical testing. Allele origin: germline.

Myriad Genetics, Inc.
Classification: Benign for Hereditary diffuse gastric adenocarcinoma. Last evaluated: 2024-09-11. Review status: criteria provided, single submitter. Criteria: Myriad Autosomal Dominant, Autosomal Recessive and X-Linked Classification Criteria (2023). Collection method: clinical testing. Allele origin: unknown.
Comment: This variant is considered benign. This variant is a silent/synonymous amino acid change and it is not expected to impact splicing.

Ambry Genetics
Classification: Likely benign for Hereditary cancer-predisposing syndrome. Last evaluated: 2020-08-12. Review status: criteria provided, single submitter. Criteria: Ambry Variant Classification Scheme 2023. Collection method: clinical testing. Allele origin: germline.

Color Diagnostics, LLC DBA Color Health
Classification: Likely benign for Hereditary cancer-predisposing syndrome. Last evaluated: 2018-05-18. Review status: criteria provided, single submitter. Criteria: ACMG Guidelines, 2015. Collection method: clinical testing. Allele origin: germline.